The following is an entry in ClinVar:

NM_000090.4(COL3A1):c.3895G>A (p.Gly1299Arg)

Gene: COL3A1 (collagen type III alpha 1 chain; plus strand). Cytogenetic location: 2q32.2.
Variant type: single nucleotide variant.
Coding change: c.3895G>A on transcript NM_000090.4 (MANE Select); coding-DNA position 3895, G replaced by A.
Protein change: p.Gly1299Arg; replaces glycine 1299 with arginine.
Molecular consequence: missense variant.
Genome position (GRCh38, 1-based): chr2:189,010,249, G>A. VCF-style: chr2-189010249-G-A. GRCh37 (hg19) VCF-style: chr2-189874975-G-A.
Other names: short protein forms G1299R.
Identifiers: ClinVar variation 3268712 (VCV003268712.2).

ClinVar aggregate classification (germline): Uncertain significance. Review status: criteria provided, multiple submitters, no conflicts (2 of 4 stars). 2 submissions from 2 submitters: Uncertain significance (2). Last evaluated 2026-01-28.

Conditions:
Familial thoracic aortic aneurysm and aortic dissection (TAAD). Also called: Thoracic aortic aneurysms and dissections. Identifiers: Orphanet 91387, MedGen C4707243, MONDO:0019625.

Submissions (2):

GeneDx
Classification: Uncertain significance. Last evaluated: 2026-01-28. Review status: criteria provided, single submitter. Criteria: GeneDx Variant Classification Process June 2021. Collection method: clinical testing. Allele origin: germline.
Comment: Not observed at significant frequency in large population cohorts (gnomAD); In silico analysis supports that this missense variant has a deleterious effect on protein structure/function; Has not been previously published as pathogenic or benign to our knowledge; Not located in the triple helical region, where the majority of pathogenic missense variants occur (HGMD)

Ambry Genetics
Classification: Uncertain significance for Familial thoracic aortic aneurysm and aortic dissection. Last evaluated: 2024-03-29. Review status: criteria provided, single submitter. Criteria: Ambry Variant Classification Scheme 2023. Collection method: clinical testing. Allele origin: germline.
Comment: The p.G1299R variant (also known as c.3895G>A), located in coding exon 49 of the COL3A1 gene, results from a G to A substitution at nucleotide position 3895. The glycine at codon 1299 is replaced by arginine, an amino acid with dissimilar properties. This amino acid position is highly conserved in available vertebrate species. In addition, this alteration is predicted to be deleterious by in silico analysis. Based on the available evidence, the clinical significance of this alteration remains unclear.